The following is an entry in ClinVar:

ClinVar aggregate classification (germline): Uncertain significance (1 of 4 stars; one submission).

Conditions:
Ataxia-telangiectasia syndrome (AT). Also called: Ataxia-telangiectasia, complementation group D; LOUIS-BAR SYNDROME; AT, COMPLEMENTATION GROUP C; ATAXIA-TELANGIECTASIA, COMPLEMENTATION GROUP A; ATAXIA-TELANGIECTASIA, FRESNO VARIANT; Ataxia-telangiectasia. Identifiers: Orphanet 100, MedGen C0004135, MONDO:0008840, OMIM 208900.

Submission:

Labcorp Genetics (formerly Invitae), Labcorp
Classification: Uncertain significance for Ataxia-telangiectasia syndrome. Last evaluated: 2025-10-01. Review status: criteria provided, single submitter. Criteria: Invitae Variant Classification Sherloc (09022015). Collection method: clinical testing. Allele origin: germline.
Comment: This sequence change replaces isoleucine, which is neutral and non-polar, with leucine, which is neutral and non-polar, at codon 923 of the ATM protein (p.Ile923Leu). This variant is not present in population databases (gnomAD no frequency). This variant has not been reported in the literature in individuals affected with ATM-related conditions. ClinVar contains an entry for this variant (Variation ID: 2912981). Invitae Evidence Modeling of protein sequence and biophysical properties (such as structural, functional, and spatial information, amino acid conservation, physicochemical variation, residue mobility, and thermodynamic stability) indicates that this missense variant is not expected to disrupt ATM protein function with a negative predictive value of 95%. In summary, the available evidence is currently insufficient to determine the role of this variant in disease. Therefore, it has been classified as a Variant of Uncertain Significance.

NM_000051.4(ATM):c.2767A>C (p.Ile923Leu)

Gene: ATM (ATM serine/threonine kinase; plus strand). Cytogenetic location: 11q22.3.
Variant type: single nucleotide variant.
Coding change: c.2767A>C on transcript NM_000051.4 (MANE Select); coding-DNA position 2767, A replaced by C.
Protein change: p.Ile923Leu; replaces isoleucine 923 with leucine.
Molecular consequence: missense variant.
Genome position (GRCh38, 1-based): chr11:108,268,538, A>C. VCF-style: chr11-108268538-A-C. GRCh37 (hg19) VCF-style: chr11-108139265-A-C.
Other names: c.2767A>C, p.Ile923Leu (NM_001351834.2); short protein forms I923L.
Identifiers: ClinVar variation 2912981 (VCV002912981.3), dbSNP rs2135525813, ClinGen allele CA382545500.
Genomic context (GRCh38, chr11:108,268,538, plus strand): 5'-TTCTTGTGTTTGTGTGTAACTACTGCTCAGACCAATACTGTGTCCTTTAGGGCAGCTGAT[A>C]TTCGGAGGAAATTGTTAATGTTAATTGATTCTAGCACGCTAGAACCTACCAAATCCCTCC-3'
Protein context (NP_000042.3, residues 913-933): TNTVSFRAAD[Ile923Leu]RRKLLMLIDS